The following is an entry in ClinVar:

ClinVar aggregate classification (germline): Likely benign (1 of 4 stars; one submission).

Conditions:
Luscan-Lumish syndrome. Identifiers: Orphanet 597738, MedGen C4085873, MONDO:0014791, OMIM 616831.

Submission:

Institute of Human Genetics, University of Goettingen
Classification: Likely benign for Luscan-Lumish syndrome. Last evaluated: 2026-07-30. Review status: criteria provided, single submitter. Criteria: ACMG Guidelines, 2015. Collection method: clinical testing. Allele origin: maternal. Affected: yes. Observed: 1 variant allele, 1 heterozygote.
Comment: The NM_014159.7(SETD2):c.5914_5916delGAA (p.Glu1972del) variant causes a conservative inframe deletion change. The variant results in an in-frame change. The variant allele was found at a cumulative frequency of 0.00000137 (AC=2) in the gnomAD database across 1,461,846 control chromosomes (no homozygotes observed). The grpmax filtering allele frequency (95% CI) is 0.0000299. Splicing prediction tools (SpliceAI) predict no significant impact on normal splicing. No clinical diagnostic laboratories have submitted clinical-significance assessments for this variant to ClinVar. ACMG criteria used for classification: PM2_sup, PM4_sup.

NM_014159.7(SETD2):c.5911GAA[1] (p.Glu1972del)

Gene: SETD2 (SET domain containing 2, histone lysine methyltransferase; minus strand). Cytogenetic location: 3p21.31.
Variant type: Microsatellite.
Coding change: c.5911GAA[1] on transcript NM_014159.7 (MANE Select); one copy of the 3-base unit GAA starting at c.5911; the reference has two copies in a row; one copy, 3 bases deleted; also written c.5914_5916del.
Protein change: p.Glu1972del; deletes glutamic acid 1972.
Molecular consequence: inframe deletion. On other transcripts: non-coding transcript variant (1).
Genome position (GRCh38, 1-based): chr3:47,083,864-47,083,866, TTC deleted on the plus strand (GAA on the coding strand, the reverse complement: SETD2 is on the minus strand); deleting any 3 consecutive bases within chr3:47,083,864-47,083,870 gives the same sequence; the position shown is the placement nearest the transcript's 3' end. VCF-style (leftmost placement, unchanged base first): chr3-47083863-GTTC-G. GRCh37 (hg19) VCF-style: chr3-47125353-GTTC-G.
Other names: c.5914_5916del (NM_014159.7); c.5779GAA[1], p.Glu1928del (NM_001349370.3); short protein forms E1928del, E1972del.
Identifiers: ClinVar variation 4884728 (VCV004884728.1).
Genomic context (GRCh38, chr3:47,083,863, plus strand): 5'-CACTCTCCACATCAGACACACCCTCCTCTTCATCTTGGGATGGTGTTTCTTCATTAATAG[GTTC>G]TTCTAGTTTTGTGCCGTTGCTCTCTTTGGGCTCTATTTCAGCGTCAGCTTCTGGTTCAGA-3'